The following is an entry in ClinVar:

ClinVar aggregate classification (germline): Uncertain significance (1 of 4 stars; one submission).

Conditions:
Anauxetic dysplasia. Identifiers: Orphanet 93347, MedGen C1846796, MONDO:0011773.

gnomAD v4.1: 1 of 693,938 alleles (0.00014%); no homozygotes.

Submission:

Labcorp Genetics (formerly Invitae), Labcorp
Classification: Uncertain significance for Anauxetic dysplasia. Last evaluated: 2022-01-02. Review status: criteria provided, single submitter. Criteria: Invitae Variant Classification Sherloc (09022015). Collection method: clinical testing. Allele origin: germline.
Comment: This variant occurs in the RMRP gene, which encodes an RNA molecule that does not result in a protein product. This variant is not present in population databases (gnomAD no frequency). This variant has not been reported in the literature in individuals affected with RMRP-related conditions. Experimental studies and prediction algorithms are not available or were not evaluated, and the functional significance of this variant is currently unknown. In summary, the available evidence is currently insufficient to determine the role of this variant in disease. Therefore, it has been classified as a Variant of Uncertain Significance.

NC_000009.12:g.35657855C>G

Gene: RMRP (RNA component of mitochondrial RNA processing endoribonuclease; minus strand). Cytogenetic location: 9p13.3.
Variant type: single nucleotide variant.
Genome position: GRCh38 VCF-style: chr9-35657855-C-G. GRCh37 (hg19) VCF-style: chr9-35657852-C-G.
Identifiers: ClinVar variation 1930539 (VCV001930539.2), dbSNP rs1405507797, ClinGen allele CA464450665.